The following is an entry in ClinVar:

ClinVar aggregate classification (germline): Uncertain significance (1 of 4 stars; one submission).

gnomAD v4.1: 6 of 1,614,146 alleles (0.00037%); highest among the groups gnomAD compares: African/African-American, 0.0027%; no homozygotes.

Submission:

GeneDx
Classification: Uncertain significance. Last evaluated: 2025-03-29. Review status: criteria provided, single submitter. Criteria: GeneDx Variant Classification Process June 2021. Collection method: clinical testing. Allele origin: germline. Affected: yes.
Comment: Not observed at significant frequency in large population cohorts (gnomAD); In silico analysis supports that this missense variant has a deleterious effect on protein structure/function; Has not been previously published as pathogenic or benign to our knowledge

NM_005909.5(MAP1B):c.6785A>G (p.Asp2262Gly)

Gene: MAP1B (microtubule associated protein 1B; plus strand). Cytogenetic location: 5q13.2.
Variant type: single nucleotide variant.
Coding change: c.6785A>G on transcript NM_005909.5 (MANE Select); coding-DNA position 6785, A replaced by G.
Protein change: p.Asp2262Gly; replaces aspartic acid 2262 with glycine.
Molecular consequence: missense variant.
Genome position (GRCh38, 1-based): chr5:72,200,140, A>G. VCF-style: chr5-72200140-A-G. GRCh37 (hg19) VCF-style: chr5-71495967-A-G.
Other names: c.6407A>G, p.Asp2136Gly (NM_001324255.2); short protein forms D2136G, D2262G.
Identifiers: ClinVar variation 4088091 (VCV004088091.1).